The following is an entry in ClinVar:

NM_201384.3(PLEC):c.9339C>G (p.Ser3113Arg)

Gene: PLEC (plectin; minus strand). Cytogenetic location: 8q24.3.
Variant type: single nucleotide variant.
Coding change: c.9339C>G on transcript NM_201384.3 (MANE Select); coding-DNA position 9339, C replaced by G.
Protein change: p.Ser3113Arg; replaces serine 3113 with arginine.
Molecular consequence: missense variant.
Genome position (GRCh38, 1-based): chr8:143,920,482, G>C on the plus strand (C>G on the coding strand, the complement: PLEC is on the minus strand). VCF-style: chr8-143920482-G-C. GRCh37 (hg19) VCF-style: chr8-144994650-G-C.
Other names: p.Ser3140Arg; c.9420C>G, p.Ser3140Arg (NM_000445.5); c.6039C>G, p.Ser2013Arg (NM_001410941.1); c.9297C>G, p.Ser3099Arg (NM_201378.4); c.9273C>G, p.Ser3091Arg (NM_201379.3); c.9750C>G, p.Ser3250Arg (NM_201380.4); c.9243C>G, p.Ser3081Arg (NM_201381.3); c.9339C>G, p.Ser3113Arg (NM_201382.4); and 1 more; short protein forms S2013R, S3081R, S3091R, S3099R, S3113R, S3117R, S3140R, S3250R.
Identifiers: ClinVar variation 2683031 (VCV002683031.1), dbSNP rs781986477, ClinGen allele CA372510484.

ClinVar aggregate classification (germline): Uncertain significance (1 of 4 stars; one submission).

Submission:

Mayo Clinic Laboratories, Mayo Clinic
Classification: Uncertain significance. Last evaluated: 2023-05-05. Review status: criteria provided, single submitter. Criteria: ACMG Guidelines, 2015. Collection method: clinical testing. Allele origin: germline. Observed: 1 variant allele.
Comment: BP4, PM2